The following is an entry in ClinVar:

NM_012254.3(SLC27A5):c.1535G>A (p.Arg512Gln)

Gene: SLC27A5 (solute carrier family 27 member 5; minus strand). Cytogenetic location: 19q13.43.
Variant type: single nucleotide variant.
Coding change: c.1535G>A on transcript NM_012254.3 (MANE Select); coding-DNA position 1535, G replaced by A.
Protein change: p.Arg512Gln; replaces arginine 512 with glutamine.
Molecular consequence: missense variant.
Genome position (GRCh38, 1-based): chr19:58,499,624, C>T on the plus strand (G>A on the coding strand, the complement: SLC27A5 is on the minus strand). VCF-style: chr19-58499624-C-T. GRCh37 (hg19) VCF-style: chr19-59010991-C-T.
Other names: c.1283G>A, p.Arg428Gln (NM_001321196.2); short protein forms R428Q, R512Q.
Identifiers: ClinVar variation 2629528 (VCV002629528.2), dbSNP rs775344859, ClinGen allele CA9717922.

ClinVar aggregate classification (germline): Uncertain significance (1 of 4 stars; one submission).

Conditions:
SLC27A5-related disorder. Also called: SLC27A5-related condition.

gnomAD v4.1: 162 of 1,612,760 alleles (0.01%); highest among the groups gnomAD compares: South Asian, 0.042%; no homozygotes.

Submission:

PreventionGenetics, part of Exact Sciences
Classification: Uncertain significance for SLC27A5-related condition. Last evaluated: 2025-07-25. Review status: criteria provided, single submitter. Criteria: ACMG Guidelines, 2015. Collection method: clinical testing. Allele origin: germline.
Comment: The SLC27A5 c.1535G>A variant is predicted to result in the amino acid substitution p.Arg512Gln. To our knowledge, this variant has not been reported in the literature. This variant is reported in 0.023% of alleles in individuals of South Asian descent in gnomAD. At this time, the clinical significance of this variant is uncertain due to the absence of conclusive functional and genetic evidence.